The following is an entry in ClinVar:

ClinVar aggregate classification (germline): Benign/Likely benign. Review status: criteria provided, multiple submitters, no conflicts (2 of 4 stars). 2 submissions from 2 submitters: Benign (1); Likely benign (1). Last evaluated 2025-07-31.

Conditions:
Tuberous sclerosis 2 (TSC2). Identifiers: Orphanet 805, MedGen C1860707, MONDO:0013199, OMIM 613254.

Submissions (2):

Labcorp Genetics (formerly Invitae), Labcorp
Classification: Likely benign for Tuberous sclerosis 2. Last evaluated: 2025-07-31. Review status: criteria provided, single submitter. Criteria: Invitae Variant Classification Sherloc (09022015). Collection method: clinical testing. Allele origin: germline.

Myriad Genetics, Inc.
Classification: Benign for Tuberous sclerosis 2. Last evaluated: 2025-05-05. Review status: criteria provided, single submitter. Criteria: Myriad Autosomal Dominant, Autosomal Recessive and X-Linked Classification Criteria (2023). Collection method: clinical testing. Allele origin: unknown.
Comment: This variant is considered benign. This variant is a silent/synonymous amino acid change and it is not expected to impact splicing.

NM_000548.5(TSC2):c.466T>C (p.Leu156=)

Gene: TSC2 (TSC complex subunit 2; plus strand). Cytogenetic location: 16p13.3.
Variant type: single nucleotide variant.
Coding change: c.466T>C on transcript NM_000548.5 (MANE Select); coding-DNA position 466, T replaced by C.
Protein change: p.Leu156=; no amino-acid change (leucine 156 retained).
Molecular consequence: synonymous variant. On other transcripts: 5 prime UTR variant (13), non-coding transcript variant (5), intron variant (6).
Genome position (GRCh38, 1-based): chr16:2,054,425, T>C. VCF-style: chr16-2054425-T-C. GRCh37 (hg19) VCF-style: chr16-2104426-T-C.
Other names: c.466T>C, p.Leu156= (NM_001077183.3, NM_001114382.3, NM_001363528.2 and 8 more transcripts); c.355T>C, p.Leu119= (NM_001318827.2, NM_001406670.1, NM_001406678.1); c.319T>C, p.Leu107= (NM_001318829.2, NM_001406675.1, NM_001406676.1 and 1 more transcripts); c.499T>C, p.Leu167= (NM_001318832.2); c.556T>C, p.Leu186= (NM_001406667.1, NM_001406668.1); c.409T>C, p.Leu137= (NM_001406677.1); c.-351T>C (NM_001406680.1, NM_001406683.1, NM_001406687.1); c.21T>C, p.Thr7= (NM_001406681.1); and 6 more.
Identifiers: ClinVar variation 2003509 (VCV002003509.5), dbSNP rs2151044466, ClinGen allele CA492955704.
Genomic context (GRCh38, chr16:2,054,425, plus strand): 5'-CTTCACGAAAGGCTGGAGGTTTTCAAGGCCCTCACAGACAATGGGAGACACATCACCTAC[T>C]TGGAGGAAGAGCTGGGTGGGTGCCACCTTGGGTTGGAGGTTTCTCTGGCCTTGACGATCA-3'
Protein context (NP_000539.2, residues 146-166): LTDNGRHITY[Leu156=]EEELADFVLQ